The following is an entry in ClinVar:

NM_014502.5(PRPF19):c.875C>T (p.Ser292Leu)

Gene: PRPF19 (pre-mRNA processing factor 19; minus strand). Cytogenetic location: 11q12.2.
Variant type: single nucleotide variant.
Coding change: c.875C>T on transcript NM_014502.5 (MANE Select); coding-DNA position 875, C replaced by T.
Protein change: p.Ser292Leu; replaces serine 292 with leucine.
Molecular consequence: missense variant.
Genome position (GRCh38, 1-based): chr11:60,899,258, G>A on the plus strand (C>T on the coding strand, the complement: PRPF19 is on the minus strand). VCF-style: chr11-60899258-G-A. GRCh37 (hg19) VCF-style: chr11-60666730-G-A.
Other names: short protein forms S292L.
Identifiers: ClinVar variation 3219141 (VCV003219141.2), dbSNP rs149479095, ClinGen allele CA6027947.

ClinVar aggregate classification (germline): Uncertain significance (1 of 4 stars; one submission).

Conditions:
Inborn genetic diseases. Identifiers: MedGen C0950123, MeSH D030342.

Allele frequency attached by ClinVar (database versions not stated): gnomAD 0.00005; ExAC 0.00007; ESP Exome Variant Server 0.00008; TOPMed 0.00009.
gnomAD v4.1: 55 of 1,613,206 alleles (0.0034%); highest among the groups gnomAD compares: Admixed American, 0.015%; 1 homozygote.

Submission:

Ambry Genetics
Classification: Uncertain significance for Inborn genetic diseases. Last evaluated: 2025-12-29. Review status: criteria provided, single submitter. Criteria: Ambry Variant Classification Scheme 2023. Collection method: clinical testing. Allele origin: germline.
Comment: The c.875C>T (p.S292L) alteration is located in exon 11 (coding exon 11) of the PRPF19 gene. This alteration results from a C to T substitution at nucleotide position 875, causing the serine (S) at amino acid position 292 to be replaced by a leucine (L). Based on data from gnomAD, the T allele has an overall frequency of 0.006% (14/251400) total alleles studied. The highest observed frequency was 0.012% (4/34576) of Latino alleles. Based on insufficient or conflicting evidence, the clinical significance of this alteration remains unclear.